The following is an entry in ClinVar:

ClinVar aggregate classification (germline): Likely benign (1 of 4 stars; one submission).

Conditions:
IFT172-related disorder. Also called: IFT172-related condition; IFT172-related disorders.

gnomAD v4.1: 1 of 1,609,786 alleles (0.000062%); highest among the groups gnomAD compares: African/African-American, 0.0013%; no homozygotes.

Submission:

PreventionGenetics, part of Exact Sciences
Classification: Likely benign for IFT172-related condition. Last evaluated: 2025-10-27. Review status: criteria provided, single submitter. Criteria: ACMG Guidelines, 2015. Collection method: clinical testing. Allele origin: germline.
Comment: This variant is classified as likely benign based on ACMG/AMP sequence variant interpretation guidelines (Richards et al. 2015 PMID: 25741868, with internal and published modifications).

NM_015662.3(IFT172):c.3531-9T>G

Genes: IFT172 (intraflagellar transport 172; minus strand), LOC126806173 (BRD4-independent group 4 enhancer GRCh37_chr2:27676057-27677256; plus strand). Cytogenetic location: 2p23.3.
Variant type: single nucleotide variant.
Coding change: c.3531-9T>G on transcript NM_015662.3 (MANE Select); 9 bases into the intron before coding-DNA position 3531, T replaced by G.
Molecular consequence: intron variant.
Genome position (GRCh38, 1-based): chr2:27,454,171, A>C on the plus strand (T>G on the coding strand, the complement: IFT172 is on the minus strand). VCF-style: chr2-27454171-A-C. GRCh37 (hg19) VCF-style: chr2-27677038-A-C.
Other names: c.3465-9T>G (NM_001410739.1).
Identifiers: ClinVar variation 4994624 (VCV004994624.1).